The following is an entry in ClinVar:

ClinVar aggregate classification (germline): Uncertain significance. Review status: criteria provided, multiple submitters, no conflicts (2 of 4 stars). 4 submissions from 4 submitters: Uncertain significance (4). Last evaluated 2026-07-13.

Conditions:
RP1L1-related disorder. Also called: RP1L1-related condition.
Inborn genetic diseases. Identifiers: MedGen C0950123, MeSH D030342.

Allele frequency attached by ClinVar (database versions not stated): gnomAD exomes 0.00002; TOPMed 0.00002; ExAC 0.00004.

Submissions (4):

PreventionGenetics, part of Exact Sciences
Classification: Uncertain significance for RP1L1-related condition. Last evaluated: 2026-07-13. Review status: criteria provided, single submitter. Criteria: ACMG Guidelines, 2015. Collection method: clinical testing. Allele origin: germline.
Comment: The RP1L1 c.5278C>T variant is predicted to result in the amino acid substitution p.Leu1760Phe. To our knowledge, this variant has not been reported in the literature. This variant is reported in 0.0023% of alleles in individuals of European (Non-Finnish) descent in gnomAD. At this time, the clinical significance of this variant is uncertain due to the absence of conclusive functional and genetic evidence.

Ambry Genetics
Classification: Uncertain significance for Inborn genetic diseases. Last evaluated: 2025-08-21. Review status: criteria provided, single submitter. Criteria: Ambry Variant Classification Scheme 2023. Collection method: clinical testing. Allele origin: germline.

Blueprint Genetics
Classification: Uncertain significance. Last evaluated: 2023-08-10. Review status: criteria provided, single submitter. Criteria: ACMG Guidelines, 2015. Collection method: clinical testing. Allele origin: germline.

CeGaT Center for Human Genetics Tuebingen
Classification: Uncertain significance. Last evaluated: 2018-08-01. Review status: criteria provided, single submitter. Criteria: CeGaT Center For Human Genetics Tuebingen Variant Classification Criteria Version 2. Collection method: clinical testing. Allele origin: germline. Affected: yes. Observed: 3 variant alleles.

NM_178857.6(RP1L1):c.5278C>T (p.Leu1760Phe)

Gene: RP1L1 (RP1 like 1). Cytogenetic location: 8p23.1.
Variant type: single nucleotide variant.
Coding change: c.5278C>T on transcript NM_178857.6 (MANE Select); coding-DNA position 5278, C replaced by T.
Protein change: p.Leu1760Phe; replaces leucine 1760 with phenylalanine.
Molecular consequence: missense variant.
Genome position (GRCh38, 1-based): chr8:10,608,820, G>A on the plus strand (C>T on the coding strand, the complement: RP1L1 is on the minus strand). VCF-style: chr8-10608820-G-A. GRCh37 (hg19) VCF-style: chr8-10466330-G-A.
Other names: c.5278C>T (NM_178857.5); short protein forms L1760F.
Identifiers: ClinVar variation 493469 (VCV000493469.48), dbSNP rs762713239, ClinGen allele CA4623709.